The following is an entry in ClinVar:

NM_001286.5(CLCN6):c.489A>T (p.Lys163Asn)

Gene: CLCN6 (chloride voltage-gated channel 6; plus strand). Cytogenetic location: 1p36.22.
Variant type: single nucleotide variant.
Coding change: c.489A>T on transcript NM_001286.5 (MANE Select); coding-DNA position 489, A replaced by T.
Protein change: p.Lys163Asn; replaces lysine 163 with asparagine.
Molecular consequence: missense variant. On other transcripts: non-coding transcript variant (1).
Genome position (GRCh38, 1-based): chr1:11,823,742, A>T. VCF-style: chr1-11823742-A-T. GRCh37 (hg19) VCF-style: chr1-11883799-A-T.
Other names: c.423A>T, p.Lys141Asn (NM_001256959.2); short protein forms K141N, K163N.
Identifiers: ClinVar variation 2096053 (VCV002096053.4), dbSNP rs1385508669, ClinGen allele CA338427850.

ClinVar aggregate classification (germline): Uncertain significance (1 of 4 stars; one submission).

Submission:

Labcorp Genetics (formerly Invitae), Labcorp
Classification: Uncertain significance. Last evaluated: 2022-02-10. Review status: criteria provided, single submitter. Criteria: Invitae Variant Classification Sherloc (09022015). Collection method: clinical testing. Allele origin: germline.
Comment: This sequence change replaces lysine, which is basic and polar, with asparagine, which is neutral and polar, at codon 163 of the CLCN6 protein (p.Lys163Asn). This variant is not present in population databases (gnomAD no frequency). This variant has not been reported in the literature in individuals affected with CLCN6-related conditions. Algorithms developed to predict the effect of missense changes on protein structure and function are either unavailable or do not agree on the potential impact of this missense change (SIFT: "Deleterious"; PolyPhen-2: "Probably Damaging"; Align-GVGD: "Class C15"). In summary, the available evidence is currently insufficient to determine the role of this variant in disease. Therefore, it has been classified as a Variant of Uncertain Significance.